The following is an entry in ClinVar:

ClinVar aggregate classification (germline): Uncertain significance (1 of 4 stars; one submission).

Submission:

GeneDx
Classification: Uncertain significance. Last evaluated: 2023-05-01. Review status: criteria provided, single submitter. Criteria: GeneDx Variant Classification Process June 2021. Collection method: clinical testing. Allele origin: germline. Affected: yes.
Comment: Not observed at significant frequency in large population cohorts (gnomAD); In silico analysis supports that this missense variant has a deleterious effect on protein structure/function; Has not been previously published as pathogenic or benign to our knowledge

NM_000346.4(SOX9):c.464T>G (p.Val155Gly)

Gene: SOX9 (SRY-box transcription factor 9; plus strand). Cytogenetic location: 17q24.3.
Variant type: single nucleotide variant.
Coding change: c.464T>G on transcript NM_000346.4 (MANE Select); coding-DNA position 464, T replaced by G.
Protein change: p.Val155Gly; replaces valine 155 with glycine.
Molecular consequence: missense variant.
Genome position (GRCh38, 1-based): chr17:72,122,751, T>G. VCF-style: chr17-72122751-T-G. GRCh37 (hg19) VCF-style: chr17-70118892-T-G.
Other names: short protein forms V155G.
Identifiers: ClinVar variation 3343201 (VCV003343201.1).